The following is an entry in ClinVar:

ClinVar aggregate classification (germline): Likely benign. Review status: criteria provided, multiple submitters, no conflicts (2 of 4 stars). 3 submissions from 3 submitters: Likely benign (2). 1 of the submissions does not count toward it. Last evaluated 2025-10-26.

Conditions:
NTRK2-related disorder. Also called: NTRK2-related condition.

Allele frequency attached by ClinVar (database versions not stated): TOPMed below 0.00001; gnomAD 0.00001; gnomAD exomes 0.00002 and 0.00004; ExAC 0.00007.
gnomAD v4.1: 33 of 1,613,974 alleles (0.002%); highest among the groups gnomAD compares: Middle Eastern, 0.05%; no homozygotes.

Submissions (3):

Labcorp Genetics (formerly Invitae), Labcorp
Classification: Likely benign. Last evaluated: 2025-10-26. Review status: criteria provided, single submitter. Criteria: Invitae Variant Classification Sherloc (09022015). Collection method: clinical testing. Allele origin: germline.

Blueprint Genetics
Classification: Likely benign. Last evaluated: 2024-04-12. Review status: criteria provided, single submitter. Criteria: ACMG Guidelines, 2015. Collection method: clinical testing. Allele origin: germline.

PreventionGenetics, part of Exact Sciences
Classification: Likely benign for NTRK2-related condition. Last evaluated: 2021-05-25. Review status: no assertion criteria provided. Collection method: clinical testing. Allele origin: germline. Not counted in ClinVar's aggregate classification.
Comment: This variant is classified as likely benign based on ACMG/AMP sequence variant interpretation guidelines (Richards et al. 2015 PMID: 25741868, with internal and published modifications).

NM_006180.6(NTRK2):c.1455C>T (p.Ser485=)

Gene: NTRK2 (neurotrophic receptor tyrosine kinase 2; plus strand). Cytogenetic location: 9q21.33.
Variant type: single nucleotide variant.
Coding change: c.1455C>T on transcript NM_006180.6 (MANE Select); coding-DNA position 1455, C replaced by T.
Protein change: p.Ser485=; no amino-acid change (serine 485 retained).
Molecular consequence: synonymous variant.
Genome position (GRCh38, 1-based): chr9:84,867,253, C>T. VCF-style: chr9-84867253-C-T. GRCh37 (hg19) VCF-style: chr9-87482168-C-T.
Other names: c.1407C>T, p.Ser469= (NM_001018064.3, NM_001018066.3, NM_001369532.1 and 2 more transcripts); c.1455C>T, p.Ser485= (NM_001018065.2, NM_001369537.1); c.1371C>T, p.Ser457= (NM_001369534.1); c.939C>T, p.Ser313= (NM_001369535.1); c.987C>T, p.Ser329= (NM_001369536.1); c.1455C>T (NM_006180.4).
Identifiers: ClinVar variation 1631045 (VCV001631045.10), dbSNP rs200550410, ClinGen allele CA5105776.
Genomic context (GRCh38, chr9:84,867,253, plus strand): 5'-TCAATAAAGCCATTGATTACAGGAGAATATATATATTTTTCCATCTCCAGGCCCAGCCTC[C>T]GTTATCAGCAATGATGATGACTCTGCCAGCCCACTCCATCACATCTCCAATGGGAGTAAC-3'
Protein context (NP_006171.2, residues 475-495): VKSRQGVGPA[Ser485=]VISNDDDSAS